The following is an entry in ClinVar:

ClinVar aggregate classification (germline): Uncertain significance (1 of 4 stars; one submission).

Conditions:
Maple syrup urine disease (MSUD). Identifiers: Orphanet 511, MedGen C0024776, MeSH D008375, MONDO:0009563. Disease mechanism: loss of function.

Submission:

Labcorp Genetics (formerly Invitae), Labcorp
Classification: Uncertain significance for Maple syrup urine disease. Last evaluated: 2022-10-17. Review status: criteria provided, single submitter. Criteria: Invitae Variant Classification Sherloc (09022015). Collection method: clinical testing. Allele origin: germline.
Comment: This sequence change replaces alanine, which is neutral and non-polar, with valine, which is neutral and non-polar, at codon 19 of the BCKDHB protein (p.Ala19Val). This variant is not present in population databases (gnomAD no frequency). This variant has not been reported in the literature in individuals affected with BCKDHB-related conditions. Algorithms developed to predict the effect of missense changes on protein structure and function output the following: SIFT: "Tolerated"; PolyPhen-2: "Possibly Damaging"; Align-GVGD: "Class C0". The valine amino acid residue is found in multiple mammalian species, which suggests that this missense change does not adversely affect protein function. In summary, the available evidence is currently insufficient to determine the role of this variant in disease. Therefore, it has been classified as a Variant of Uncertain Significance.

NM_183050.4(BCKDHB):c.56C>T (p.Ala19Val)

Gene: BCKDHB (branched chain keto acid dehydrogenase E1 subunit beta; plus strand). Cytogenetic location: 6q14.1.
Variant type: single nucleotide variant.
Coding change: c.56C>T on transcript NM_183050.4 (MANE Select); coding-DNA position 56, C replaced by T.
Protein change: p.Ala19Val; replaces alanine 19 with valine.
Molecular consequence: missense variant. On other transcripts: non-coding transcript variant (1), intron variant (1).
Genome position (GRCh38, 1-based): chr6:80,106,749, C>T. VCF-style: chr6-80106749-C-T. GRCh37 (hg19) VCF-style: chr6-80816466-C-T.
Other names: c.56C>T, p.Ala19Val (NM_000056.5); c.-15+66C>T (NM_001318975.1); short protein forms A19V.
Identifiers: ClinVar variation 1901302 (VCV001901302.2), dbSNP rs976085900, ClinGen allele CA142276833.